The following is an entry in ClinVar:

NM_030662.4(MAP2K2):c.1112G>A (p.Arg371Gln)

Gene: MAP2K2 (mitogen-activated protein kinase kinase 2; minus strand). Cytogenetic location: 19p13.3.
Variant type: single nucleotide variant.
Coding change: c.1112G>A on transcript NM_030662.4 (MANE Select); coding-DNA position 1112, G replaced by A.
Protein change: p.Arg371Gln; replaces arginine 371 with glutamine.
Molecular consequence: missense variant.
Genome position (GRCh38, 1-based): chr19:4,090,689, C>T on the plus strand (G>A on the coding strand, the complement: MAP2K2 is on the minus strand). VCF-style: chr19-4090689-C-T. GRCh37 (hg19) VCF-style: chr19-4090687-C-T.
Other names: p.R371Q:CGG>CAG; c.1112G>A (NM_030662.3); short protein forms R371Q.
Identifiers: ClinVar variation 40842 (VCV000040842.46), dbSNP rs730880514, ClinGen allele CA296157.

ClinVar aggregate classification (germline): Uncertain significance. Review status: reviewed by expert panel (3 of 4 stars). 7 submissions from 7 submitters: Uncertain significance (1). 6 of the submissions do not count toward it. Last evaluated 2019-08-26.

Conditions:
Cardiofaciocutaneous syndrome 4 (CFC4). Also called: MAP2K2-Related Cardiofaciocutaneous Syndrome. Identifiers: Orphanet 1340, MedGen C3809007, MONDO:0014114, OMIM 615280.
RASopathy. Also called: rasopathies; Noonan spectrum disorder. Identifiers: Orphanet 536391, MedGen C5555857, MONDO:0021060.

Allele frequency attached by ClinVar (database versions not stated): ExAC below 0.00001; TOPMed 0.00002; gnomAD 0.00006.

Submissions (7):

ClinGen RASopathy Variant Curation Expert Panel
Classification: Uncertain significance for RASopathy. Last evaluated: 2019-08-26. Review status: reviewed by expert panel. Criteria: ClinGen RASopathy ACMG Specifications v1. Collection method: curation. Allele origin: germline. Inheritance: Autosomal dominant inheritance.
Comment: The p.Arg371Gln variant in MAP2K2 has been identified in 0.00401% (lower bound of the 95% CI of 7/81796) of non-Finnish European chromosomes in gnomAD (BS1 not met). Computational prediction tools and conservation analyses do not provide strong support for or against an impact to the protein. The variant is located in the MAP2K2 gene, which has been defined by the ClinGen RASopathy Expert Panel as a gene with a low rate of benign missense variants, and pathogenic missense variants are common (PP2; PMID: 29493581). This variant has been observed in many individuals with varying clnical presentations that lack clear associations with a RASopathy. In summary, the clinical significance of this variant is uncertain. ACMG/AMP Criteria applied: PP2, BP5.

Labcorp Genetics (formerly Invitae), Labcorp
Classification: Uncertain significance for RASopathy. Last evaluated: 2026-01-27. Review status: criteria provided, single submitter. Criteria: Invitae Variant Classification Sherloc (09022015). Collection method: clinical testing. Allele origin: germline. Not counted in ClinVar's aggregate classification.
Comment: This sequence change replaces arginine, which is basic and polar, with glutamine, which is neutral and polar, at codon 371 of the MAP2K2 protein (p.Arg371Gln). This variant is present in population databases (rs730880514, gnomAD 0.009%). This missense change has been observed in individual(s) with bilateral sensorineural hearing loss, short stature, short broad thumbs and first toes, and slightly low-set ears (PMID: 27763634). ClinVar contains an entry for this variant (Variation ID: 40842). Invitae Evidence Modeling incorporating data from in vitro experimental studies (internal data) indicates that this missense variant is not expected to disrupt MAP2K2 function with a negative predictive value of 95%. In summary, the available evidence is currently insufficient to determine the role of this variant in disease. Therefore, it has been classified as a Variant of Uncertain Significance.

Blueprint Genetics
Classification: Likely benign. Last evaluated: 2024-10-14. Review status: criteria provided, single submitter. Criteria: ACMG Guidelines, 2015. Collection method: clinical testing. Allele origin: germline. Not counted in ClinVar's aggregate classification.

Fulgent Genetics
Classification: Uncertain significance for Cardiofaciocutaneous syndrome 4. Last evaluated: 2024-01-16. Review status: criteria provided, single submitter. Criteria: ACMG Guidelines, 2015. Collection method: clinical testing. Allele origin: germline. Not counted in ClinVar's aggregate classification.

CeGaT Center for Human Genetics Tuebingen
Classification: Uncertain significance. Last evaluated: 2022-06-01. Review status: criteria provided, single submitter. Criteria: CeGaT Center For Human Genetics Tuebingen Variant Classification Criteria Version 2. Collection method: clinical testing. Allele origin: germline. Affected: yes. Observed: 1 variant allele. Not counted in ClinVar's aggregate classification.

Women's Health and Genetics/Laboratory Corporation of America, LabCorp
Classification: Likely benign. Last evaluated: 2018-01-29. Review status: criteria provided, single submitter. Criteria: LabCorp Variant Classification Summary - May 2015. Collection method: clinical testing. Allele origin: germline. Not counted in ClinVar's aggregate classification.
Comment: Variant summary: MAP2K2 c.1112G>A (p.Arg371Gln) results in a conservative amino acid change not located in any functional domain of the protein (InterPro). Four of five in-silico tools predict a benign effect of the variant on protein function. The variant allele was found at a frequency of 3.7e-05 in 190584 control chromosomes. The observed variant frequency is approximately 14.69 fold of the estimated maximal expected allele frequency for a pathogenic variant in MAP2K2 causing Noonan Syndrome and Related Conditions phenotype (2.5e-06), suggesting that the variant is likely a benign polymorphism. c.1112G>A has been reported in a patient with BSNHL, short stature, short broad thumbs and first toes, slightly low-set ears, without strong evidence of causality (Bhoj_MAP2K2_GIM_2017). To our knowledge, no experimental evidence demonstrating an impact on protein function has been reported. Two clinical diagnostic laboratories have submitted clinical-significance assessments for this variant to ClinVar after 2014 without evidence for independent evaluation. All laboratories classified the variant as uncertain significance. Based on the evidence outlined above, the variant was classified as Likely benign.

GeneDx
Classification: Likely benign. Last evaluated: 2018-01-10. Review status: criteria provided, single submitter. Criteria: GeneDx Variant Classification (06012015). Collection method: clinical testing. Allele origin: germline. Affected: yes. Not counted in ClinVar's aggregate classification.
Comment: This variant is considered likely benign or benign based on one or more of the following criteria: it is a conservative change, it occurs at a poorly conserved position in the protein, it is predicted to be benign by multiple in silico algorithms, and/or has population frequency not consistent with disease.

Literature cited by the submitters: PubMed 27763634 (cited by Labcorp Genetics (formerly Invitae), Labcorp and Women's Health and Genetics/Laboratory Corporation of America, LabCorp).